The following is an entry in ClinVar:

ClinVar aggregate classification (germline): Benign/Likely benign. Review status: criteria provided, multiple submitters, no conflicts (2 of 4 stars). 2 submissions from 2 submitters: Benign (1); Likely benign (1). Last evaluated 2025-07-23.

Conditions:
Nemaline myopathy 6 (NEM6). Also called: Nemaline myopathy 6, autosomal dominant. Identifiers: Orphanet 171439, MedGen C1836472, MONDO:0012237, OMIM 609273.

Allele frequency attached by ClinVar (database versions not stated): 1000 Genomes Project 30x 0.00031; TOPMed 0.00047; 1000 Genomes Project 0.00100.

Submissions (2):

Labcorp Genetics (formerly Invitae), Labcorp
Classification: Benign for Nemaline myopathy 6. Last evaluated: 2025-07-23. Review status: criteria provided, single submitter. Criteria: Invitae Variant Classification Sherloc (09022015). Collection method: clinical testing. Allele origin: germline.

GeneDx
Classification: Likely benign. Last evaluated: 2016-08-31. Review status: criteria provided, single submitter. Criteria: GeneDx Variant Classification (06012015). Collection method: clinical testing. Allele origin: germline. Affected: yes.
Comment: This variant is considered likely benign or benign based on one or more of the following criteria: it is a conservative change, it occurs at a poorly conserved position in the protein, it is predicted to be benign by multiple in silico algorithms, and/or has population frequency not consistent with disease.

NM_001101362.3(KBTBD13):c.516C>T (p.Asp172=)

Gene: KBTBD13 (kelch repeat and BTB domain containing 13; plus strand). Cytogenetic location: 15q22.31.
Variant type: single nucleotide variant.
Coding change: c.516C>T on transcript NM_001101362.3 (MANE Select); coding-DNA position 516, C replaced by T.
Protein change: p.Asp172=; no amino-acid change (aspartic acid 172 retained).
Molecular consequence: synonymous variant.
Genome position (GRCh38, 1-based): chr15:65,077,331, C>T. VCF-style: chr15-65077331-C-T. GRCh37 (hg19) VCF-style: chr15-65369669-C-T.
Identifiers: ClinVar variation 388865 (VCV000388865.10), dbSNP rs142592180, ClinGen allele CA7613935.